The following is an entry in ClinVar:

NM_000548.5(TSC2):c.2221-10dup

Gene: TSC2 (TSC complex subunit 2; plus strand). Cytogenetic location: 16p13.3.
Variant type: Duplication.
Coding change: c.2221-10dup on transcript NM_000548.5 (MANE Select); 10 bases into the intron before coding-DNA position 2221, one base duplicated (T; older notation c.2221-10dupT).
Molecular consequence: intron variant.
Genome position (GRCh38, 1-based): chr16:2,072,839, T duplicated; the last of 3 consecutive T bases (chr16:2,072,837-2,072,839); duplicating any one gives the same sequence. VCF-style (leftmost placement, unchanged base first): chr16-2072836-A-AT. GRCh37 (hg19) VCF-style: chr16-2122837-A-AT.
Other names: c.2221-10dup (NM_001114382.3, NM_021055.3, NM_001370405.1 and 3 more transcripts); c.2110-10dup (NM_001318827.2); c.1621-10dup (NM_001318831.2); c.2074-10dup (NM_001318829.2); c.2254-10dup (NM_001318832.2).
Identifiers: ClinVar variation 1578099 (VCV001578099.9), dbSNP rs2151325861, ClinGen allele CA2573151608.
Genomic context (GRCh38, chr16:2,072,836, plus strand): 5'-CCTCCCCAGCCCCTCTGGCTACCCCGTGACCTGGCCGCTGGGGAGAGGTTTCATGCCTGG[A>AT]TTTGGTCATCAGCTTTCAGGCCCAAAGACACTGGAGCGGCTCCGAGGCGCCCCAGAAGGC-3'

ClinVar aggregate classification (germline): Likely benign. Review status: criteria provided, multiple submitters, no conflicts (2 of 4 stars). 2 submissions from 2 submitters: Likely benign (2). Last evaluated 2025-05-19.

Conditions:
Tuberous sclerosis 2 (TSC2). Identifiers: Orphanet 805, MedGen C1860707, MONDO:0013199, OMIM 613254.

Submissions (2):

Myriad Genetics, Inc.
Classification: Likely benign for Tuberous sclerosis 2. Last evaluated: 2025-05-19. Review status: criteria provided, single submitter. Criteria: Myriad Autosomal Dominant, Autosomal Recessive and X-Linked Classification Criteria (2023). Collection method: clinical testing. Allele origin: unknown.
Comment: This variant is considered likely benign. This variant is intronic and is not expected to impact mRNA splicing.

Labcorp Genetics (formerly Invitae), Labcorp
Classification: Likely benign for Tuberous sclerosis 2. Last evaluated: 2022-04-13. Review status: criteria provided, single submitter. Criteria: Invitae Variant Classification Sherloc (09022015). Collection method: clinical testing. Allele origin: germline.